The following is an entry in ClinVar:

NM_001042492.3(NF1):c.5C>A (p.Ala2Asp)

Genes: MIR4733HG (MIR4733 host gene; minus strand), NF1 (neurofibromin 1; plus strand), LOC111811965 (NF1 (neurofibromin 1) promoter region; plus strand). Cytogenetic location: 17q11.2.
Variant type: single nucleotide variant.
Coding change: c.5C>A on transcript NM_001042492.3 (MANE Select); coding-DNA position 5, C replaced by A.
Protein change: p.Ala2Asp; replaces alanine 2 with aspartic acid.
Molecular consequence: missense variant. On other transcripts: non-coding transcript variant (1).
Genome position (GRCh38, 1-based): chr17:31,095,314, C>A. VCF-style: chr17-31095314-C-A. GRCh37 (hg19) VCF-style: chr17-29422332-C-A.
Other names: c.5C>A, p.Ala2Asp (NM_000267.4, NM_001128147.3); short protein forms A2D.
Identifiers: ClinVar variation 2063440 (VCV002063440.6), dbSNP rs1555594473, ClinGen allele CA398979165.

ClinVar aggregate classification (germline): Uncertain significance. Review status: criteria provided, multiple submitters, no conflicts (2 of 4 stars). 3 submissions from 3 submitters: Uncertain significance (3). Last evaluated 2026-03-31.

Conditions:
Cardiovascular phenotype. Identifiers: MedGen CN230736.
Hereditary cancer-predisposing syndrome. Also called: Neoplastic Syndromes, Hereditary; Tumor predisposition; Hereditary Cancer Syndrome; Hereditary neoplastic syndrome. Identifiers: Orphanet 140162, MedGen C0027672, MeSH D009386, MONDO:0015356.
Neurofibromatosis, type 1 (NF1). Also called: VON RECKLINGHAUSEN DISEASE; NEUROFIBROMATOSIS, TYPE I, SOMATIC; Peripheral type neurofibromatosis; Neurofibromatosis, type I. Identifiers: Orphanet 636, MedGen C0027831, MONDO:0018975, OMIM 162200. Disease mechanism: loss of function.

Submissions (3):

Ambry Genetics
Classification: Uncertain significance for Cardiovascular phenotype; Hereditary cancer-predisposing syndrome. Last evaluated: 2026-03-31. Review status: criteria provided, single submitter. Criteria: Ambry Variant Classification Scheme 2023. Collection method: clinical testing. Allele origin: germline.
Comment: The p.A2D variant (also known as c.5C>A), located in coding exon 1 of the NF1 gene, results from a C to A substitution at nucleotide position 5. The alanine at codon 2 is replaced by aspartic acid, an amino acid with dissimilar properties. This amino acid position is highly conserved in available vertebrate species. In addition, this alteration is predicted to be tolerated by in silico analysis. Based on the available evidence, the clinical significance of this variant remains unclear.

GeneDx
Classification: Uncertain significance. Last evaluated: 2022-10-28. Review status: criteria provided, single submitter. Criteria: GeneDx Variant Classification Process June 2021. Collection method: clinical testing. Allele origin: germline. Affected: yes.
Comment: Not observed at significant frequency in large population cohorts (gnomAD); In silico analysis supports that this missense variant has a deleterious effect on protein structure/function; Has not been previously published as pathogenic or benign to our knowledge

Labcorp Genetics (formerly Invitae), Labcorp
Classification: Uncertain significance for Neurofibromatosis, type 1. Last evaluated: 2021-12-27. Review status: criteria provided, single submitter. Criteria: Invitae Variant Classification Sherloc (09022015). Collection method: clinical testing. Allele origin: germline.
Comment: In summary, the available evidence is currently insufficient to determine the role of this variant in disease. Therefore, it has been classified as a Variant of Uncertain Significance. Advanced modeling of protein sequence and biophysical properties (such as structural, functional, and spatial information, amino acid conservation, physicochemical variation, residue mobility, and thermodynamic stability) performed at Invitae indicates that this missense variant is not expected to disrupt NF1 protein function. This variant has not been reported in the literature in individuals affected with NF1-related conditions. This variant is not present in population databases (gnomAD no frequency). This sequence change replaces alanine, which is neutral and non-polar, with aspartic acid, which is acidic and polar, at codon 2 of the NF1 protein (p.Ala2Asp).